The following is an entry in ClinVar:

ClinVar aggregate classification (germline): Likely pathogenic. Review status: criteria provided, multiple submitters, no conflicts (2 of 4 stars). 4 submissions from 4 submitters: Likely pathogenic (2). 2 of the submissions do not count toward it. Last evaluated 2025-03-26.

Conditions:
Ciliary dyskinesia, primary, 37 (CILD37). Also called: CILIARY DYSKINESIA, PRIMARY, 37, WITH OR WITHOUT SITUS INVERSUS. Identifiers: MedGen C4539798, MONDO:0033204, OMIM 617577.
Spermatogenic failure 18. Identifiers: MedGen C4539783, MONDO:0054615, OMIM 617576.
Kartagener syndrome (CILD1). Also called: CILIARY DYSKINESIA, PRIMARY, 1; CILIARY DYSKINESIA, PRIMARY, 1, WITH OR WITHOUT SITUS INVERSUS; Dextrocardia bronchiectasis and sinusitis; SIEWERT SYNDROME; IMMOTILE CILIA SYNDROME; POLYNESIAN BRONCHIECTASIS. Identifiers: Orphanet 244, MedGen C4551906, MONDO:0009484, OMIM 244400.

Allele frequency attached by ClinVar (database versions not stated): gnomAD 0.00001; gnomAD exomes 0.00001 and below 0.00001; TOPMed 0.00001.
gnomAD v4.1: 11 of 1,602,168 alleles (0.00069%); highest among the groups gnomAD compares: Middle Eastern, 0.033%; no homozygotes.

Submissions (4):

First Genomix Gene Laboratory, Genetic Diagnostics Department
Classification: Likely pathogenic for Ciliary dyskinesia, primary, 37; Spermatogenic failure 18. Last evaluated: 2025-03-26. Review status: criteria provided, single submitter. Criteria: ACMG Guidelines, 2015. Collection method: clinical testing. Allele origin: germline. Inheritance: Autosomal recessive inheritance. Affected: no. Observed: 1 variant allele.

Labcorp Genetics (formerly Invitae), Labcorp
Classification: Likely pathogenic for Ciliary dyskinesia, primary, 37; Spermatogenic failure 18. Last evaluated: 2023-11-20. Review status: criteria provided, single submitter. Criteria: Invitae Variant Classification Sherloc (09022015). Collection method: clinical testing. Allele origin: germline.
Comment: This sequence change replaces lysine, which is basic and polar, with glutamine, which is neutral and polar, at codon 1154 of the DNAH1 protein (p.Lys1154Gln). This variant is present in population databases (rs544674332, gnomAD 0.004%). This missense change has been observed in individual(s) with male infertility and/or primary ciliary dyskinesia (PMID: 25927852, 32719396). ClinVar contains an entry for this variant (Variation ID: 209005). Advanced modeling of protein sequence and biophysical properties (such as structural, functional, and spatial information, amino acid conservation, physicochemical variation, residue mobility, and thermodynamic stability) performed at Invitae indicates that this missense variant is expected to disrupt DNAH1 protein function with a positive predictive value of 80%. In summary, the currently available evidence indicates that the variant is pathogenic, but additional data are needed to prove that conclusively. Therefore, this variant has been classified as Likely Pathogenic.

OMIM
Classification: Pathogenic for CILIARY DYSKINESIA, PRIMARY, 37. Last evaluated: 2015-03-17. Review status: no assertion criteria provided. Collection method: literature only. Allele origin: germline. Not counted in ClinVar's aggregate classification.

GeneReviews
No classification provided. Condition: Kartagener syndrome. Review status: no classification provided. Collection method: literature only. Allele origin: germline. Affected: yes. Not counted in ClinVar's aggregate classification.

Literature cited by the submitters: PubMed 25927852 (cited by 3 submitters); PubMed 32719396 (cited by Labcorp Genetics (formerly Invitae), Labcorp); NCBI Bookshelf NBK1122 (cited by GeneReviews).

NM_015512.5(DNAH1):c.3460A>C (p.Lys1154Gln)

Gene: DNAH1 (dynein axonemal heavy chain 1; plus strand). Cytogenetic location: 3p21.1.
Variant type: single nucleotide variant.
Coding change: c.3460A>C on transcript NM_015512.5 (MANE Select); coding-DNA position 3460, A replaced by C.
Protein change: p.Lys1154Gln; replaces lysine 1154 with glutamine.
Molecular consequence: missense variant.
Genome position (GRCh38, 1-based): chr3:52,353,613, A>C. VCF-style: chr3-52353613-A-C. GRCh37 (hg19) VCF-style: chr3-52387629-A-C.
Other names: short protein forms K1154Q.
Identifiers: ClinVar variation 209005 (VCV000209005.9), dbSNP rs544674332, ClinGen allele CA346955.
Genomic context (GRCh38, chr3:52,353,613, plus strand): 5'-CTGGAGATGAACCTGCAGGACCATATCGAGAGCATCAGCAAGGTGGCTGAGGTGGCTGGC[A>C]AGGAGTACGCCATCGAGCAGGTGGGTAGCCACCAGCGGGCCCAGCCACTCCAGCCAGGCC-3'
Protein context (NP_056327.4, residues 1144-1164): SISKVAEVAG[Lys1154Gln]EYAIEQALDK